The following is an entry in ClinVar:

ClinVar aggregate classification (germline): Likely pathogenic (1 of 4 stars; one submission).

Conditions:
Wilms tumor 1 (WT1). Also called: Wilms tumor, somatic. Identifiers: Orphanet 654, MedGen CN033288, MONDO:0008679, OMIM 194070.
11p partial monosomy syndrome (WAGR). Also called: WAGR syndrome; WAGR Complex; CHROMOSOME 11p13 DELETION SYNDROME; WAGR Spectrum Disorder. Identifiers: Orphanet 893, MedGen C0206115, MONDO:0008681, OMIM 194072.
Frasier syndrome. Identifiers: Orphanet 347, MedGen C0950122, MeSH D052159, MONDO:0007635, OMIM 136680.
Drash syndrome (DDS). Also called: NEPHROPATHY, WILMS TUMOR, AND GENITAL ANOMALIES; WILMS TUMOR AND PSEUDO- OR TRUE HERMAPHRODITISM. Identifiers: Orphanet 220, MedGen C0950121, MONDO:0008682, OMIM 194080.

Submission:

Labcorp Genetics (formerly Invitae), Labcorp
Classification: Likely pathogenic for Wilms tumor 1; Drash syndrome; 11p partial monosomy syndrome; Frasier syndrome. Last evaluated: 2024-06-06. Review status: criteria provided, single submitter. Criteria: Invitae Variant Classification Sherloc (09022015). Collection method: clinical testing. Allele origin: germline.
Comment: This sequence change affects an acceptor splice site in intron 3 of the WT1 gene. It is expected to disrupt RNA splicing. Variants that disrupt the donor or acceptor splice site typically lead to a loss of protein function (PMID: 16199547), and loss-of-function variants in WT1 are known to be pathogenic (PMID: 15150775). This variant is not present in population databases (gnomAD no frequency). This variant has not been reported in the literature in individuals affected with WT1-related conditions. Algorithms developed to predict the effect of sequence changes on RNA splicing suggest that this variant may disrupt the consensus splice site. In summary, the currently available evidence indicates that the variant is pathogenic, but additional data are needed to prove that conclusively. Therefore, this variant has been classified as Likely Pathogenic.

Literature cited by the submitters: PubMed 16199547; PubMed 15150775.

NM_024426.6(WT1):c.888-2A>G

Gene: WT1 (WT1 transcription factor; minus strand). Cytogenetic location: 11p13.
Variant type: single nucleotide variant.
Coding change: c.888-2A>G on transcript NM_024426.6 (MANE Select); the canonical splice acceptor site of the intron before coding-DNA position 888, A replaced by G.
Molecular consequence: splice acceptor variant.
Genome position (GRCh38, 1-based): chr11:32,417,656, T>C on the plus strand (A>G on the coding strand, the complement: WT1 is on the minus strand). VCF-style: chr11-32417656-T-C. GRCh37 (hg19) VCF-style: chr11-32439202-T-C.
Other names: c.765-2A>G (NM_001407050.1, NM_001407047.1); c.888-2A>G (NM_001407048.1, NM_001407049.1, NM_000378.6 and 4 more transcripts); c.669-2A>G (NM_001429034.1, NM_001429033.1, NM_001429032.1 and 1 more transcripts); c.126-2A>G (NM_001407051.1); c.237-2A>G (NM_001198552.2, NM_001198551.2).
Identifiers: ClinVar variation 3756710 (VCV003756710.2).